The following is an entry in ClinVar:

NM_007294.4(BRCA1):c.3904G>A (p.Glu1302Lys)

Genes: BRCA1 (BRCA1 DNA repair associated; minus strand), LOC126862571 (BRD4-independent group 4 enhancer GRCh37_chr17:41243136-41244335; plus strand). Cytogenetic location: 17q21.31.
Variant type: single nucleotide variant.
Coding change: c.3904G>A on transcript NM_007294.4 (MANE Select); coding-DNA position 3904, G replaced by A.
Protein change: p.Glu1302Lys; replaces glutamic acid 1302 with lysine.
Molecular consequence: missense variant. On other transcripts: intron variant (135).
Genome position (GRCh38, 1-based): chr17:43,091,627, C>T on the plus strand (G>A on the coding strand, the complement: BRCA1 is on the minus strand). VCF-style: chr17-43091627-C-T. GRCh37 (hg19) VCF-style: chr17-41243644-C-T.
Other names: c.3691G>A, p.Glu1231Lys (NM_001407571.1, NM_001407853.1, NM_001407894.1 and 9 more transcripts); c.3904G>A, p.Glu1302Lys (NM_001407581.1, NM_001407582.1, NM_001407583.1 and 30 more transcripts); c.3901G>A, p.Glu1301Lys (NM_001407587.1, NM_001407590.1, NM_001407591.1 and 22 more transcripts); c.3895G>A, p.Glu1299Lys (NM_001407646.1, NM_001407647.1); c.3781G>A, p.Glu1261Lys (NM_001407648.1, NM_001407664.1, NM_001407665.1 and 19 more transcripts); c.3778G>A, p.Glu1260Lys (NM_001407649.1, NM_001407670.1, NM_001407671.1 and 11 more transcripts); c.3826G>A, p.Glu1276Lys (NM_001407653.1, NM_001407654.1, NM_001407655.1 and 4 more transcripts); c.3823G>A, p.Glu1275Lys (NM_001407659.1, NM_001407660.1, NM_001407661.1 and 1 more transcripts); and 41 more; short protein forms E1302K, E1255K, E1191K, E1232K, E1235K, E434K, E1006K, E1261K.
Identifiers: ClinVar variation 229767 (VCV000229767.17), dbSNP rs80357461, ClinGen allele CA10580544.

ClinVar aggregate classification (germline): Conflicting classifications of pathogenicity. Review status: criteria provided, conflicting classifications (1 of 4 stars). 3 submissions from 3 submitters: Uncertain significance (2); Likely benign (1). Last evaluated 2023-03-23.

Conditions:
Hereditary cancer-predisposing syndrome. Also called: Hereditary neoplastic syndrome; Hereditary Cancer Syndrome; Neoplastic Syndromes, Hereditary; Tumor predisposition. Identifiers: Orphanet 140162, MedGen C0027672, MeSH D009386, MONDO:0015356.
Hereditary breast ovarian cancer syndrome. Also called: Hereditary breast and ovarian cancer syndrome; Hereditary breast and ovarian cancer syndrome (HBOC); Breast and ovarian cancer; Hereditary breast and/or ovarian cancer syndrome; Hereditary breast and ovarian cancer; BRCA1- and BRCA2-Associated Hereditary Breast and Ovarian Cancer. Identifiers: Orphanet 145, MedGen C0677776, MeSH D061325, MONDO:0003582. Disease mechanism: loss of function.

Submissions (3):

University of Washington Department of Laboratory Medicine, University of Washington
Classification: Likely benign for Hereditary cancer-predisposing syndrome. Last evaluated: 2023-03-23. Review status: criteria provided, single submitter. Criteria: Dines et al. (Genet Med. 2020). Collection method: curation. Allele origin: germline.
Comment: Missense variant in a coldspot region where missense variants are very unlikely to be pathogenic (PMID:31911673).

BRCA1 coldspot (exon 11 using historical exon numbering). Reclassification based on statistical prior probability

Ambry Genetics
Classification: Uncertain significance for Hereditary cancer-predisposing syndrome. Last evaluated: 2021-05-04. Review status: criteria provided, single submitter. Criteria: Ambry Variant Classification Scheme 2023. Collection method: clinical testing. Allele origin: germline.
Comment: The p.E1302K variant (also known as c.3904G>A), located in coding exon 9 of the BRCA1 gene, results from a G to A substitution at nucleotide position 3904. The glutamic acid at codon 1302 is replaced by lysine, an amino acid with similar properties. This amino acid position is poorly conserved in available vertebrate species. In addition, the in silico prediction for this alteration is inconclusive. Since supporting evidence is limited at this time, the clinical significance of this alteration remains unclear.

Labcorp Genetics (formerly Invitae), Labcorp
Classification: Uncertain significance for Hereditary breast ovarian cancer syndrome. Last evaluated: 2020-04-27. Review status: criteria provided, single submitter. Criteria: Invitae Variant Classification Sherloc (09022015). Collection method: clinical testing. Allele origin: germline.
Comment: This sequence change replaces glutamic acid with lysine at codon 1302 of the BRCA1 protein (p.Glu1302Lys). The glutamic acid residue is weakly conserved and there is a small physicochemical difference between glutamic acid and lysine. This variant is not present in population databases (ExAC no frequency). This variant has not been reported in the literature in individuals with BRCA1-related conditions. ClinVar contains an entry for this variant (Variation ID: 229767). Algorithms developed to predict the effect of missense changes on protein structure and function (SIFT, PolyPhen-2, Align-GVGD) all suggest that this variant is likely to be tolerated, but these predictions have not been confirmed by published functional studies and their clinical significance is uncertain. In summary, the available evidence is currently insufficient to determine the role of this variant in disease. Therefore, it has been classified as a Variant of Uncertain Significance.